The following is an entry in ClinVar:

NM_001364905.1(LRBA):c.530A>C (p.Gln177Pro)

Gene: LRBA (LPS responsive beige-like anchor protein; minus strand). Cytogenetic location: 4q31.3.
Variant type: single nucleotide variant.
Coding change: c.530A>C on transcript NM_001364905.1 (MANE Select); coding-DNA position 530, A replaced by C.
Protein change: p.Gln177Pro; replaces glutamine 177 with proline.
Molecular consequence: missense variant.
Genome position (GRCh38, 1-based): chr4:150,928,535, T>G on the plus strand (A>C on the coding strand, the complement: LRBA is on the minus strand). VCF-style: chr4-150928535-T-G. GRCh37 (hg19) VCF-style: chr4-151849687-T-G.
Other names: c.530A>C, p.Gln177Pro (NM_001199282.3, NM_001367550.1, NM_006726.5); short protein forms Q177P.
Identifiers: ClinVar variation 641191 (VCV000641191.10), dbSNP rs1579231637, ClinGen allele CA358438992.

ClinVar aggregate classification (germline): Uncertain significance (1 of 4 stars; one submission).

Conditions:
Combined immunodeficiency due to LRBA deficiency. Also called: Common variable immunodeficiency 8, with autoimmunity. Identifiers: Orphanet 445018, MedGen C3553512, MONDO:0013863, OMIM 614700.

gnomAD v4.1: 1 of 1,613,634 alleles (0.000062%); highest among the groups gnomAD compares: Non-Finnish European, 0.000085%; no homozygotes.

Submission:

Labcorp Genetics (formerly Invitae), Labcorp
Classification: Uncertain significance for Combined immunodeficiency due to LRBA deficiency. Last evaluated: 2024-02-24. Review status: criteria provided, single submitter. Criteria: Invitae Variant Classification Sherloc (09022015). Collection method: clinical testing. Allele origin: germline.
Comment: This sequence change replaces glutamine, which is neutral and polar, with proline, which is neutral and non-polar, at codon 177 of the LRBA protein (p.Gln177Pro). This variant is not present in population databases (gnomAD no frequency). This variant has not been reported in the literature in individuals affected with LRBA-related conditions. ClinVar contains an entry for this variant (Variation ID: 641191). Advanced modeling of protein sequence and biophysical properties (such as structural, functional, and spatial information, amino acid conservation, physicochemical variation, residue mobility, and thermodynamic stability) performed at Invitae indicates that this missense variant is not expected to disrupt LRBA protein function with a negative predictive value of 80%. In summary, the available evidence is currently insufficient to determine the role of this variant in disease. Therefore, it has been classified as a Variant of Uncertain Significance.